The following is an entry in ClinVar:

ClinVar aggregate classification (germline): Pathogenic (1 of 4 stars; one submission).

Conditions:
Duchenne muscular dystrophy (DMD). Also called: MUSCULAR DYSTROPHY, PSEUDOHYPERTROPHIC PROGRESSIVE, DUCHENNE TYPE; Duchenne Muscular Dystrophy (DMD). Identifiers: Orphanet 98896, MedGen C0013264, MONDO:0010679, OMIM 310200.

Submission:

Labcorp Genetics (formerly Invitae), Labcorp
Classification: Pathogenic for Duchenne muscular dystrophy. Last evaluated: 2023-06-22. Review status: criteria provided, single submitter. Criteria: Invitae Variant Classification Sherloc (09022015). Collection method: clinical testing. Allele origin: unknown.
Comment: This variant is a gross deletion of the genomic region encompassing exon(s) 17-26 of the DMD gene. This variant would be expected to be in-frame, preserving the integrity of the reading frame. This variant has not been reported in the literature in individuals affected with DMD-related conditions. This variant disrupts a region of the DMD protein in which other variant(s) (Deletion (Exons 19-20)) have been determined to be pathogenic (PMID: 15723292, 16936400, 31671740). This suggests that this is a clinically significant region of the protein, and that variants that disrupt it are likely to be disease-causing. For these reasons, this variant has been classified as Pathogenic.

Literature cited by the submitters: PubMed 15723292; PubMed 16936400; PubMed 31671740.

NC_000023.10:g.(?_32472759)_(32563471_?)del

Gene: DMD (dystrophin; minus strand). Cytogenetic location: Xp21.1.
Variant type: Deletion.
Identifiers: ClinVar variation 3245135 (VCV003245135.1).